The following is an entry in ClinVar:

NM_152564.5(VPS13B):c.7239T>C (p.Asp2413=)

Gene: VPS13B (vacuolar protein sorting 13 homolog B; plus strand). Cytogenetic location: 8q22.2.
Variant type: single nucleotide variant.
Coding change: c.7239T>C on transcript NM_152564.5 (MANE Select); coding-DNA position 7239, T replaced by C.
Protein change: p.Asp2413=; no amino-acid change (aspartic acid 2413 retained).
Molecular consequence: synonymous variant.
Genome position (GRCh38, 1-based): chr8:99,766,962, T>C. VCF-style: chr8-99766962-T-C. GRCh37 (hg19) VCF-style: chr8-100779190-T-C.
Other names: c.7314T>C, p.Asp2438= (NM_017890.5).
Identifiers: ClinVar variation 1920417 (VCV001920417.7), dbSNP rs751702954, ClinGen allele CA462449023.

ClinVar aggregate classification (germline): Likely benign. Review status: criteria provided, multiple submitters, no conflicts (2 of 4 stars). 3 submissions from 3 submitters: Likely benign (3). Last evaluated 2025-08-05.

Conditions:
Cohen syndrome (COH1). Also called: Cutis verticis gyrata, retinitis pigmentosa, and sensorineural deafness; PEPPER SYNDROME. Identifiers: Orphanet 193, MedGen C0265223, MONDO:0008999, OMIM 216550.
VPS13B-related disorder. Also called: VPS13B-related condition.

Allele frequency attached by ClinVar (database versions not stated): TOPMed 0.00001.
gnomAD v4.1: 6 of 1,613,810 alleles (0.00037%); highest among the groups gnomAD compares: Non-Finnish European, 0.00051%; no homozygotes.

Submissions (3):

PreventionGenetics, part of Exact Sciences
Classification: Likely benign for VPS13B-related condition. Last evaluated: 2025-08-05. Review status: criteria provided, single submitter. Criteria: ACMG Guidelines, 2015. Collection method: clinical testing. Allele origin: germline.
Comment: This variant is classified as likely benign based on ACMG/AMP sequence variant interpretation guidelines (Richards et al. 2015 PMID: 25741868, with internal and published modifications).

Blueprint Genetics
Classification: Likely benign. Last evaluated: 2024-10-08. Review status: criteria provided, single submitter. Criteria: ACMG Guidelines, 2015. Collection method: clinical testing. Allele origin: germline.

Labcorp Genetics (formerly Invitae), Labcorp
Classification: Likely benign for Cohen syndrome. Last evaluated: 2023-12-13. Review status: criteria provided, single submitter. Criteria: Invitae Variant Classification Sherloc (09022015). Collection method: clinical testing. Allele origin: germline.